The following is an entry in ClinVar:

ClinVar aggregate classification (germline): Uncertain significance (1 of 4 stars; one submission).

Conditions:
Cardiomyopathy (CMYO). Also called: Cardiomyopathies. Identifiers: Orphanet 167848, MedGen C0878544, MONDO:0004994, HP:0001638. Inheritance: Various modes of inheritance.

Allele frequency attached by ClinVar (database versions not stated): TOPMed below 0.00001.

Submission:

Color Diagnostics, LLC DBA Color Health
Classification: Uncertain significance for Cardiomyopathy. Last evaluated: 2023-12-05. Review status: criteria provided, single submitter. Criteria: ACMG Guidelines, 2015. Collection method: clinical testing. Allele origin: germline.
Comment: Variant of Uncertain Significance due to insufficient evidence: This missense variant replaces threonine with isoleucine at codon 2747 of the DSP protein. Computational prediction tools and conservation analyses suggest that this variant may not impact the protein function. Computational splicing tools suggest that this variant may not impact RNA splicing. To our knowledge, functional assays have not been performed for this variant nor has this variant been reported in individuals affected with cardiovascular disorders in the literature. This variant has not been identified in the general population by the Genome Aggregation Database (gnomAD). Available evidence is insufficient to determine the role of this variant in disease conclusively.

NM_004415.4(DSP):c.8240C>T (p.Thr2747Ile)

Gene: DSP (desmoplakin; plus strand). Cytogenetic location: 6p24.3.
Variant type: single nucleotide variant.
Coding change: c.8240C>T on transcript NM_004415.4 (MANE Select); coding-DNA position 8240, C replaced by T.
Protein change: p.Thr2747Ile; replaces threonine 2747 with isoleucine.
Molecular consequence: missense variant.
Genome position (GRCh38, 1-based): chr6:7,585,502, C>T. VCF-style: chr6-7585502-C-T. GRCh37 (hg19) VCF-style: chr6-7585735-C-T.
Other names: c.6443C>T, p.Thr2148Ile (NM_001008844.3); c.6911C>T, p.Thr2304Ile (NM_001319034.2); short protein forms T2747I, T2304I, T2148I.
Identifiers: ClinVar variation 922666 (VCV000922666.5), dbSNP rs1581826021, ClinGen allele CA362694740.
Genomic context (GRCh38, chr6:7,585,502, plus strand): 5'-TGGAGTTCCAGTACCTCACGGGAGGTCTTGTTGACCCGGAAGTGCATGGGAGGATAAGCA[C>T]CGAAGAAGCCATCCGGAAGGGGTTCATAGATGGCCGCGCCGCACAGAGGCTGCAAGACAC-3'
Protein context (NP_004406.2, residues 2737-2757): VDPEVHGRIS[Thr2747Ile]EEAIRKGFID